The following is an entry in ClinVar:

ClinVar aggregate classification (germline): Uncertain significance (1 of 4 stars; one submission).

Submission:

GeneDx
Classification: Uncertain significance. Last evaluated: 2024-12-13. Review status: criteria provided, single submitter. Criteria: GeneDx Variant Classification Process June 2021. Collection method: clinical testing. Allele origin: germline. Affected: yes.
Comment: Not observed at significant frequency in large population cohorts (gnomAD); In silico analysis supports that this missense variant has a deleterious effect on protein structure/function; Has not been previously published as pathogenic or benign to our knowledge

NM_000891.3(KCNJ2):c.1009T>C (p.Tyr337His)

Gene: KCNJ2 (potassium inwardly rectifying channel subfamily J member 2; plus strand). Cytogenetic location: 17q24.3.
Variant type: single nucleotide variant.
Coding change: c.1009T>C on transcript NM_000891.3 (MANE Select); coding-DNA position 1009, T replaced by C.
Protein change: p.Tyr337His; replaces tyrosine 337 with histidine.
Molecular consequence: missense variant.
Genome position (GRCh38, 1-based): chr17:70,176,048, T>C. VCF-style: chr17-70176048-T-C. GRCh37 (hg19) VCF-style: chr17-68172189-T-C.
Other names: short protein forms Y337H.
Identifiers: ClinVar variation 3903038 (VCV003903038.1).
Genomic context (GRCh38, chr17:70,176,048, plus strand): 5'-GCAAATGAAATCCTGTGGGGCCACCGCTATGAGCCTGTGCTCTTTGAAGAGAAGCACTAC[T>C]ACAAAGTGGACTATTCCAGGTTCCACAAAACTTACGAAGTCCCCAACACTCCCCTTTGTA-3'
Protein context (NP_000882.1, residues 327-347): EPVLFEEKHY[Tyr337His]KVDYSRFHKT